The following is an entry in ClinVar:

ClinVar aggregate classification (germline): Uncertain significance (1 of 4 stars; one submission).

Conditions:
Immunodeficiency 14 (IMD14A). Also called: ACTIVATED PI3K-DELTA SYNDROME 1; Activated PI3K Delta Syndrome Type 1 (APDS1); p110-DELTA-ACTIVATING MUTATION CAUSING SENESCENT T CELLS, LYMPHADENOPATHY, AND IMMUNODEFICIENCY; IMMUNODEFICIENCY 14A WITH LYMPHOPROLIFERATION, AUTOSOMAL DOMINANT. Identifiers: Orphanet 397596, Orphanet 693661, MedGen C5907821, MONDO:0014222, OMIM 615513.

Allele frequency attached by ClinVar (database versions not stated): gnomAD exomes below 0.00001 and 0.00001; ExAC 0.00001; gnomAD 0.00001; TOPMed 0.00001.
gnomAD v4.1: 15 of 1,610,626 alleles (0.00093%); highest among the groups gnomAD compares: East Asian, 0.0022%; no homozygotes.

Submission:

Labcorp Genetics (formerly Invitae), Labcorp
Classification: Uncertain significance for Activated PI3K-delta syndrome. Last evaluated: 2025-11-28. Review status: criteria provided, single submitter. Criteria: Invitae Variant Classification Sherloc (09022015). Collection method: clinical testing. Allele origin: germline.
Comment: This sequence change replaces proline, which is neutral and non-polar, with leucine, which is neutral and non-polar, at codon 480 of the PIK3CD protein (p.Pro480Leu). This variant is present in population databases (rs766145180, gnomAD 0.01%). This variant has not been reported in the literature in individuals affected with PIK3CD-related conditions. ClinVar contains an entry for this variant (Variation ID: 1499033). Invitae Evidence Modeling of protein sequence and biophysical properties (such as structural, functional, and spatial information, amino acid conservation, physicochemical variation, residue mobility, and thermodynamic stability) indicates that this missense variant is not expected to disrupt PIK3CD protein function with a negative predictive value of 80%. In summary, the available evidence is currently insufficient to determine the role of this variant in disease. Therefore, it has been classified as a Variant of Uncertain Significance.

NM_005026.5(PIK3CD):c.1439C>T (p.Pro480Leu)

Genes: PIK3CD (phosphatidylinositol-4,5-bisphosphate 3-kinase catalytic subunit delta; plus strand), LOC126805612 (MED14-independent group 3 enhancer GRCh37_chr1:9778914-9780113; plus strand). Cytogenetic location: 1p36.22.
Variant type: single nucleotide variant.
Coding change: c.1439C>T on transcript NM_005026.5 (MANE Select); coding-DNA position 1439, C replaced by T.
Protein change: p.Pro480Leu; replaces proline 480 with leucine.
Molecular consequence: missense variant.
Genome position (GRCh38, 1-based): chr1:9,720,211, C>T. VCF-style: chr1-9720211-C-T. GRCh37 (hg19) VCF-style: chr1-9780269-C-T.
Other names: c.1439C>T, p.Pro480Leu (NM_001350234.2); c.1352C>T, p.Pro451Leu (NM_001350235.1); short protein forms P451L, P480L.
Identifiers: ClinVar variation 1499033 (VCV001499033.8), dbSNP rs766145180, ClinGen allele CA577193.